The following is an entry in ClinVar:

ClinVar aggregate classification (germline): Uncertain significance (1 of 4 stars; one submission).

Conditions:
Epilepsy, familial focal, with variable foci 3 (FFEVF3). Identifiers: MedGen C4310708, MONDO:0014925, OMIM 617118.

Allele frequency attached by ClinVar (database versions not stated): gnomAD 0.00001.
gnomAD v4.1: 1 of 1,613,788 alleles (0.000062%); highest among the groups gnomAD compares: African/African-American, 0.0013%; no homozygotes.

Submission:

Labcorp Genetics (formerly Invitae), Labcorp
Classification: Uncertain significance for Epilepsy, familial focal, with variable foci 3. Last evaluated: 2022-03-19. Review status: criteria provided, single submitter. Criteria: Invitae Variant Classification Sherloc (09022015). Collection method: clinical testing. Allele origin: germline.
Comment: In summary, the available evidence is currently insufficient to determine the role of this variant in disease. Therefore, it has been classified as a Variant of Uncertain Significance. ClinVar contains an entry for this variant (Variation ID: 476214). This variant has not been reported in the literature in individuals affected with NPRL3-related conditions. This variant is present in population databases (no rsID available, gnomAD 0.01%). This sequence change replaces serine, which is neutral and polar, with phenylalanine, which is neutral and non-polar, at codon 358 of the NPRL3 protein (p.Ser358Phe).

NM_001077350.3(NPRL3):c.1073C>T (p.Ser358Phe)

Genes: HBA-LCR (alpha-globin locus control region; plus strand), NPRL3 (NPR3 like, GATOR1 complex subunit; minus strand). Cytogenetic location: 16p13.3.
Variant type: single nucleotide variant.
Coding change: c.1073C>T on transcript NM_001077350.3 (MANE Select); coding-DNA position 1073, C replaced by T.
Protein change: p.Ser358Phe; replaces serine 358 with phenylalanine.
Molecular consequence: missense variant.
Genome position (GRCh38, 1-based): chr16:92,684, G>A on the plus strand (C>T on the coding strand, the complement: NPRL3 is on the minus strand). VCF-style: chr16-92684-G-A. GRCh37 (hg19) VCF-style: chr16-142682-G-A.
Other names: c.536C>T, p.Ser179Phe (NM_001039476.3); c.839C>T, p.Ser280Phe (NM_001243247.2); c.998C>T, p.Ser333Phe (NM_001243248.2, NM_001243249.2); short protein forms S358F, S333F, S179F, S280F.
Identifiers: ClinVar variation 476214 (VCV000476214.7), dbSNP rs1039004556, ClinGen allele CA394053096.